The following is an entry in ClinVar:

NM_007118.4(TRIO):c.1860A>G (p.Thr620=)

Gene: TRIO (trio Rho guanine nucleotide exchange factor; plus strand). Cytogenetic location: 5p15.2.
Variant type: single nucleotide variant.
Coding change: c.1860A>G on transcript NM_007118.4 (MANE Select); coding-DNA position 1860, A replaced by G.
Protein change: p.Thr620=; no amino-acid change (threonine 620 retained).
Molecular consequence: synonymous variant. On other transcripts: non-coding transcript variant (1).
Genome position (GRCh38, 1-based): chr5:14,336,541, A>G. VCF-style: chr5-14336541-A-G. GRCh37 (hg19) VCF-style: chr5-14336650-A-G.
Other names: c.1860A>G (NM_007118.3).
Identifiers: ClinVar variation 1214149 (VCV001214149.4), dbSNP rs201729604, ClinGen allele CA3205742.

ClinVar aggregate classification (germline): Likely benign. Review status: criteria provided, single submitter (1 of 4 stars). 2 submissions from 2 submitters: Likely benign (1). 1 of the submissions does not count toward it. Last evaluated 2020-02-26.

Conditions:
TRIO-related disorder. Also called: TRIO-related disorders; TRIO-related condition.

Allele frequency attached by ClinVar (database versions not stated): gnomAD 0.00002 and 0.00004; gnomAD exomes 0.00002 and 0.00011; TOPMed 0.00002; ExAC 0.00016; 1000 Genomes Project 30x 0.00031; 1000 Genomes Project 0.00040.
gnomAD v4.1: 34 of 1,614,160 alleles (0.0021%); highest among the groups gnomAD compares: Admixed American, 0.018%; no homozygotes.

Submissions (2):

GeneDx
Classification: Likely benign. Last evaluated: 2020-02-26. Review status: criteria provided, single submitter. Criteria: GeneDx Variant Classification Process June 2021. Collection method: clinical testing. Allele origin: germline. Affected: yes.

PreventionGenetics, part of Exact Sciences
Classification: Likely benign for TRIO-related condition. Last evaluated: 2024-09-11. Review status: no assertion criteria provided. Collection method: clinical testing. Allele origin: germline. Not counted in ClinVar's aggregate classification.
Comment: This variant is classified as likely benign based on ACMG/AMP sequence variant interpretation guidelines (Richards et al. 2015 PMID: 25741868, with internal and published modifications).